The following is an entry in ClinVar:

ClinVar aggregate classification (germline): Uncertain significance. Review status: criteria provided, multiple submitters, no conflicts (2 of 4 stars). 2 submissions from 2 submitters: Uncertain significance (2). Last evaluated 2023-12-07.

Conditions:
Neurodegeneration with brain iron accumulation 6 (NBIA6). Also called: COASY protein-associated neurodegeneration. Identifiers: Orphanet 397725, MedGen C4517377, MONDO:0014290, OMIM 615643.

Allele frequency attached by ClinVar (database versions not stated): ExAC 0.00003; gnomAD exomes 0.00003; 1000 Genomes Project 0.00020; 1000 Genomes Project 30x 0.00031.
gnomAD v4.1: 43 of 1,594,398 alleles (0.0027%); highest among the groups gnomAD compares: South Asian, 0.04%; no homozygotes.

Submissions (2):

Labcorp Genetics (formerly Invitae), Labcorp
Classification: Uncertain significance for Neurodegeneration with brain iron accumulation 6. Last evaluated: 2023-12-07. Review status: criteria provided, single submitter. Criteria: Invitae Variant Classification Sherloc (09022015). Collection method: clinical testing. Allele origin: germline.
Comment: This sequence change replaces aspartic acid, which is acidic and polar, with tyrosine, which is neutral and polar, at codon 230 of the COASY protein (p.Asp230Tyr). This variant is present in population databases (rs568769350, gnomAD 0.03%). This variant has not been reported in the literature in individuals affected with COASY-related conditions. ClinVar contains an entry for this variant (Variation ID: 1878619). Advanced modeling of protein sequence and biophysical properties (such as structural, functional, and spatial information, amino acid conservation, physicochemical variation, residue mobility, and thermodynamic stability) performed at Invitae indicates that this missense variant is not expected to disrupt COASY protein function with a negative predictive value of 80%. In summary, the available evidence is currently insufficient to determine the role of this variant in disease. Therefore, it has been classified as a Variant of Uncertain Significance.

Neuberg Centre For Genomic Medicine, NCGM
Classification: Uncertain significance for Neurodegeneration with brain iron accumulation 6. Review status: criteria provided, single submitter. Criteria: ACMG Guidelines, 2015. Collection method: clinical testing. Allele origin: germline. Affected: yes.
Comment: The missense variant c.775G>T (p.Asp259Tyr) in COASY gene has not been reported previously as a pathogenic variant nor as a benign variant, to our knowledge. The amino acid Asp at position 259 is changed to a Tyr changing protein sequence and it might alter its composition and physico-chemical properties. The p.Asp259Tyr variant is novel (not in any individuals) in 1000 Genomes and allele frequency of 0.004598% is reported in gnomAD. The variant is predicted to be damaging by both SIFT and PolyPhen2. The residue is conserved across species. The amino acid change p.Asp259Tyr in COASY is predicted as conserved by GERP++ and PhyloP across 100 vertebrates. For these reasons, this variant has been classified as Uncertain Significance .

NM_025233.7(COASY):c.688G>T (p.Asp230Tyr)

Gene: COASY (Coenzyme A synthase; plus strand). Cytogenetic location: 17q21.2.
Variant type: single nucleotide variant.
Coding change: c.688G>T on transcript NM_025233.7 (MANE Select); coding-DNA position 688, G replaced by T.
Protein change: p.Asp230Tyr; replaces aspartic acid 230 with tyrosine.
Molecular consequence: missense variant.
Genome position (GRCh38, 1-based): chr17:42,563,310, G>T. VCF-style: chr17-42563310-G-T. GRCh37 (hg19) VCF-style: chr17-40715328-G-T.
Other names: c.688G>T, p.Asp230Tyr (NM_001042529.3); c.775G>T, p.Asp259Tyr (NM_001042532.4); short protein forms D230Y, D259Y.
Identifiers: ClinVar variation 1878619 (VCV001878619.5), dbSNP rs568769350, ClinGen allele CA8578025.